The following is an entry in ClinVar:

NM_002294.3(LAMP2):c.1211A>T (p.His404Leu)

Gene: LAMP2 (lysosome associated membrane protein 2; minus strand). Cytogenetic location: Xq24.
Variant type: single nucleotide variant.
Coding change: c.1211A>T on transcript NM_002294.3 (MANE Select); coding-DNA position 1211, A replaced by T.
Protein change: p.His404Leu; replaces histidine 404 with leucine.
Molecular consequence: missense variant. On other transcripts: intron variant (1).
Genome position (GRCh38, 1-based): chrX:120,431,345, T>A on the plus strand (A>T on the coding strand, the complement: LAMP2 is on the minus strand). VCF-style: chrX-120431345-T-A. GRCh37 (hg19) VCF-style: chrX-119565200-T-A.
Other names: c.1094-2719A>T (NM_001122606.1); short protein forms H404L.
Identifiers: ClinVar variation 179568 (VCV000179568.5), dbSNP rs727504957, ClinGen allele CA184679.
Genomic context (GRCh38, chrX:120,431,345, plus strand): 5'-TTGCATGTATTTTTATATAATCAATCAGGTTGCAGATTCTAAAATTGCTCATATCCAGCA[T>A]GATGGTGCTTGAGACCAATAAAATAAGCCAGCAACACTAGAATAAGTACTCCTGCCAAGG-3'
Protein context (NP_002285.1, residues 394-410): LAYFIGLKHH[His404Leu]AGYEQF

ClinVar aggregate classification (germline): Uncertain significance. Review status: criteria provided, multiple submitters, no conflicts (2 of 4 stars). 2 submissions from 2 submitters: Uncertain significance (2). Last evaluated 2025-10-06.

Conditions:
Danon disease. Also called: PSEUDOGLYCOGENOSIS II; Glycogen Storage Disease Type IIb; ANTOPOL DISEASE; GSD IIb; LYSOSOMAL GLYCOGEN STORAGE DISEASE WITHOUT ACID MALTASE DEFICIENCY. Identifiers: Orphanet 34587, MedGen C0878677, MONDO:0010281, OMIM 300257.

Allele frequency attached by ClinVar (database versions not stated): gnomAD exomes 0.00001; TOPMed 0.00002.
gnomAD v4.1: 6 of 1,210,304 alleles (0.0005%); highest among the groups gnomAD compares: Non-Finnish European, 0.00067%; no homozygotes.

Submissions (2):

Labcorp Genetics (formerly Invitae), Labcorp
Classification: Uncertain significance for Danon disease. Last evaluated: 2025-10-06. Review status: criteria provided, single submitter. Criteria: Invitae Variant Classification Sherloc (09022015). Collection method: clinical testing. Allele origin: germline.
Comment: This sequence change replaces histidine, which is basic and polar, with leucine, which is neutral and non-polar, at codon 404 of the LAMP2 protein (p.His404Leu). This variant is present in population databases (rs727504957, gnomAD 0.001%), including at least one homozygous and/or hemizygous individual. This variant has not been reported in the literature in individuals affected with LAMP2-related conditions. ClinVar contains an entry for this variant (Variation ID: 179568). Invitae Evidence Modeling of protein sequence and biophysical properties (such as structural, functional, and spatial information, amino acid conservation, physicochemical variation, residue mobility, and thermodynamic stability) indicates that this missense variant is expected to disrupt LAMP2 protein function with a positive predictive value of 80%. In summary, the available evidence is currently insufficient to determine the role of this variant in disease. Therefore, it has been classified as a Variant of Uncertain Significance.

Laboratory for Molecular Medicine, Mass General Brigham Personalized Medicine
Classification: Uncertain significance. Last evaluated: 2014-11-10. Review status: criteria provided, single submitter. Criteria: LMM Criteria. Collection method: clinical testing. Allele origin: germline. Observed: 2 variant alleles.
Comment: It was ab sent from large population studies. Computational prediction tools and conservat ion analysis do not provide strong support for or against an impact the protein. In summary, the clinical significance of the p.His404Leu variant is uncertain.